The following is an entry in ClinVar:

ClinVar aggregate classification (germline): Uncertain significance (1 of 4 stars; one submission).

Submission:

GeneDx
Classification: Uncertain significance. Last evaluated: 2025-06-08. Review status: criteria provided, single submitter. Criteria: GeneDx Variant Classification Process June 2021. Collection method: clinical testing. Allele origin: germline. Affected: yes.
Comment: Not observed at significant frequency in large population cohorts (gnomAD); In silico analysis supports that this missense variant has a deleterious effect on protein structure/function; Missense variants in this gene are a common cause of disease and they are underrepresented in the general population; Has not been previously published as pathogenic or benign to our knowledge; This variant is associated with the following publications: (PMID: 29493581)

NM_030662.4(MAP2K2):c.131T>C (p.Leu44Pro)

Gene: MAP2K2 (mitogen-activated protein kinase kinase 2; minus strand). Cytogenetic location: 19p13.3.
Variant type: single nucleotide variant.
Coding change: c.131T>C on transcript NM_030662.4 (MANE Select); coding-DNA position 131, T replaced by C.
Protein change: p.Leu44Pro; replaces leucine 44 with proline.
Molecular consequence: missense variant.
Genome position (GRCh38, 1-based): chr19:4,117,591, A>G on the plus strand (T>C on the coding strand, the complement: MAP2K2 is on the minus strand). VCF-style: chr19-4117591-A-G. GRCh37 (hg19) VCF-style: chr19-4117589-A-G.
Other names: c.131T>C, p.Leu44Pro (NM_001440688.1); short protein forms L44P.
Identifiers: ClinVar variation 4536563 (VCV004536563.1).
Genomic context (GRCh38, chr19:4,117,591, plus strand): 5'-ACCTTGGCTTTCTGGGTGAGAAAGGCTTCCAGCCGCTTCTTCTGCTGCTCGTCAAGTTCC[A>G]GCTCCTCCAGCTTCTTCTGCAGGTCCACCAGGTTTGCCCTGCAGAGACCCCCCAGGGTAG-3'
Protein context (NP_109587.1, residues 34-54): LVDLQKKLEE[Leu44Pro]ELDEQQKKRL